The following is an entry in ClinVar:

NM_006445.4(PRPF8):c.1003C>T (p.Pro335Ser)

Gene: PRPF8 (pre-mRNA processing factor 8; minus strand). Cytogenetic location: 17p13.3.
Variant type: single nucleotide variant.
Coding change: c.1003C>T on transcript NM_006445.4 (MANE Select); coding-DNA position 1003, C replaced by T.
Protein change: p.Pro335Ser; replaces proline 335 with serine.
Molecular consequence: missense variant.
Genome position (GRCh38, 1-based): chr17:1,680,821, G>A on the plus strand (C>T on the coding strand, the complement: PRPF8 is on the minus strand). VCF-style: chr17-1680821-G-A. GRCh37 (hg19) VCF-style: chr17-1584115-G-A.
Other names: short protein forms P335S.
Identifiers: ClinVar variation 2152270 (VCV002152270.4), dbSNP rs141226955, ClinGen allele CA8272472.

ClinVar aggregate classification (germline): Uncertain significance (1 of 4 stars; one submission).

Allele frequency attached by ClinVar (database versions not stated): ExAC 0.00001; gnomAD 0.00001; TOPMed 0.00002; ESP Exome Variant Server 0.00008.
gnomAD v4.1: 25 of 1,613,938 alleles (0.0015%); highest among the groups gnomAD compares: Non-Finnish European, 0.002%; no homozygotes.

Submission:

Labcorp Genetics (formerly Invitae), Labcorp
Classification: Uncertain significance. Last evaluated: 2022-05-27. Review status: criteria provided, single submitter. Criteria: Invitae Variant Classification Sherloc (09022015). Collection method: clinical testing. Allele origin: germline.
Comment: This sequence change replaces proline, which is neutral and non-polar, with serine, which is neutral and polar, at codon 335 of the PRPF8 protein (p.Pro335Ser). This variant is present in population databases (rs141226955, gnomAD 0.003%). This variant has not been reported in the literature in individuals affected with PRPF8-related conditions. Algorithms developed to predict the effect of missense changes on protein structure and function are either unavailable or do not agree on the potential impact of this missense change (SIFT: "Deleterious"; PolyPhen-2: "Benign"; Align-GVGD: "Class C0"). In summary, the available evidence is currently insufficient to determine the role of this variant in disease. Therefore, it has been classified as a Variant of Uncertain Significance.